The following is an entry in ClinVar:

ClinVar aggregate classification (germline): Likely pathogenic (1 of 4 stars; one submission).

Conditions:
Cardiovascular phenotype. Identifiers: MedGen CN230736.

Submission:

Ambry Genetics
Classification: Likely pathogenic for Cardiovascular phenotype. Last evaluated: 2025-12-19. Review status: criteria provided, single submitter. Criteria: Ambry Variant Classification Scheme 2023. Collection method: clinical testing. Allele origin: germline.
Comment: The c.39601delG variant, located in coding exon 144 of the TTN gene, results from a deletion of one nucleotide at nucleotide position 39601, causing a translational frameshift with a predicted alternate stop codon (p.D13201Tfs*2). This exon is located in the A-band region of the N2-B isoform of the titin protein and is constitutively expressed in TTN transcripts (percent spliced in or PSI 100%). This variant is considered to be rare based on population cohorts in the Genome Aggregation Database (gnomAD). This variant is expected to result in loss of function by premature protein truncation or nonsense-mediated mRNA decay. While truncating variants in TTN are present in 1-3% of the general population, truncating variants in the A-band are the most common cause of dilated cardiomyopathy (Herman DS et al. N. Engl. J. Med., 2012 Feb;366:619-28; Roberts AM et al. Sci Transl Med, 2015 Jan;7:270ra6). TTN truncating variants encoded in constitutive exons (PSI >90%) have been found to be significantly associated with DCM regardless of their position in titin (Schafer S et al. Nat. Genet., 2017 01;49:46-53; Akhtar MM et al. Circ Heart Fail, 2020 Oct;13:e006832; Massier M et al. Clin Genet, 2025 Jan). Based on the majority of available evidence to date, this variant is likely to be pathogenic.

NM_001267550.2(TTN):c.66796del (p.Asp22266fs)

Genes: TTN (titin; minus strand), TTN-AS1 (TTN antisense RNA 1; plus strand). Cytogenetic location: 2q31.2.
Variant type: Deletion.
Coding change: c.66796del on transcript NM_001267550.2 (MANE Select); coding-DNA position 66796, one base deleted (G; older notation c.66796delG).
Protein change: p.Asp22266fs; shifts the reading frame from aspartic acid 22266.
Molecular consequence: frameshift variant.
Genome position (GRCh38, 1-based): chr2:178,580,583, C deleted on the plus strand (G on the coding strand, the reverse complement: TTN is on the minus strand); the first of 2 consecutive C bases (chr2:178,580,583-178,580,584); deleting either gives the same sequence. VCF-style (leftmost placement, unchanged base first): chr2-178580582-TC-T. GRCh37 (hg19) VCF-style: chr2-179445309-TC-T.
Other names: c.61873del, p.Asp20625fs (NM_001256850.1); c.39601del, p.Asp13201fs (NM_003319.4); c.59092del, p.Asp19698fs (NM_133378.4); c.39976del, p.Asp13326fs (NM_133432.3); c.40177del, p.Asp13393fs (NM_133437.4); c.39601delG (NM_003319.4); short protein forms D20625fs, D13201fs, D22266fs, D13393fs, D19698fs, D13326fs.
Identifiers: ClinVar variation 4843163 (VCV004843163.1).